The following is an entry in ClinVar:

NM_001048174.2(MUTYH):c.925G>C (p.Gly309Arg)

Gene: MUTYH (mutY DNA glycosylase; minus strand). Cytogenetic location: 1p34.1.
Variant type: single nucleotide variant.
Coding change: c.925G>C on transcript NM_001048174.2 (MANE Select); coding-DNA position 925, G replaced by C.
Protein change: p.Gly309Arg; replaces glycine 309 with arginine.
Molecular consequence: missense variant. On other transcripts: non-coding transcript variant (7).
Genome position (GRCh38, 1-based): chr1:45,331,838, C>G on the plus strand (G>C on the coding strand, the complement: MUTYH is on the minus strand). VCF-style: chr1-45331838-C-G. GRCh37 (hg19) VCF-style: chr1-45797510-C-G.
Other names: c.1009G>C, p.Gly337Arg (NM_001128425.2); c.970G>C, p.Gly324Arg (NM_001293190.2); c.958G>C, p.Gly320Arg (NM_001293191.2, NM_001407069.1, NM_001407077.1); c.649G>C, p.Gly217Arg (NM_001293192.2, NM_001293196.2, NM_001407091.1); c.925G>C, p.Gly309Arg (NM_001293195.2, NM_001407081.1, NM_001407088.1 and 6 more transcripts); c.580G>C, p.Gly194Arg (NM_001350650.2, NM_001407082.1, NM_001350651.2); c.883G>C, p.Gly295Arg (NM_001407080.1); c.967G>C, p.Gly323Arg (NM_001407083.1, NM_001407085.1); and 5 more; short protein forms G194R, G296R, G217R, G295R, G324R, G334R, G310R, G320R.
Identifiers: ClinVar variation 4112917 (VCV004112917.1).
Genomic context (GRCh38, chr1:45,331,838, plus strand): 5'-TGACCACTCCCAGGGTCTGGTCCCAGGGCTCCGAGGGAGGCAGGCACAGGTGGCACTGTC[C>G]AGTGTTGGGAGCTGGGAACGGAGATCCCCGAACCCTACTCAAGCCAAGAGGGCTTTAGGG-3'
Protein context (NP_001041639.1, residues 299-319): PDVEECAPNT[Gly309Arg]QCHLCLPPSE

ClinVar aggregate classification (germline): Uncertain significance (1 of 4 stars; one submission).

Conditions:
Hereditary cancer-predisposing syndrome. Also called: Tumor predisposition; Neoplastic Syndromes, Hereditary; Hereditary neoplastic syndrome; Hereditary Cancer Syndrome. Identifiers: Orphanet 140162, MedGen C0027672, MeSH D009386, MONDO:0015356.

gnomAD v4.1: 2 of 1,603,732 alleles (0.00012%); highest among the groups gnomAD compares: Non-Finnish European, 0.00017%; no homozygotes.

Submission:

Ambry Genetics
Classification: Uncertain significance for Hereditary cancer-predisposing syndrome. Last evaluated: 2025-08-27. Review status: criteria provided, single submitter. Criteria: Ambry Variant Classification Scheme 2023. Collection method: clinical testing. Allele origin: germline.
Comment: The p.G337R variant (also known as c.1009G>C), located in coding exon 12 of the MUTYH gene, results from a G to C substitution at nucleotide position 1009. The glycine at codon 337 is replaced by arginine, an amino acid with dissimilar properties. This amino acid position is conserved. In addition, this alteration is predicted to be tolerated by in silico analysis. Based on the available evidence, the clinical significance of this variant remains unclear.